The following is an entry in ClinVar:

ClinVar aggregate classification (germline): Uncertain significance (1 of 4 stars; one submission).

Conditions:
Ataxia-telangiectasia syndrome (AT). Also called: LOUIS-BAR SYNDROME; ATAXIA-TELANGIECTASIA, COMPLEMENTATION GROUP A; ATAXIA-TELANGIECTASIA, FRESNO VARIANT; Ataxia-telangiectasia, complementation group D; AT, COMPLEMENTATION GROUP C; Ataxia-telangiectasia. Identifiers: Orphanet 100, MedGen C0004135, MONDO:0008840, OMIM 208900.

Submission:

Labcorp Genetics (formerly Invitae), Labcorp
Classification: Uncertain significance for Ataxia-telangiectasia syndrome. Last evaluated: 2025-01-26. Review status: criteria provided, single submitter. Criteria: Invitae Variant Classification Sherloc (09022015). Collection method: clinical testing. Allele origin: germline.
Comment: This sequence change replaces aspartic acid, which is acidic and polar, with tyrosine, which is neutral and polar, at codon 398 of the ATM protein (p.Asp398Tyr). This variant is not present in population databases (gnomAD no frequency). This variant has not been reported in the literature in individuals affected with ATM-related conditions. Invitae Evidence Modeling of protein sequence and biophysical properties (such as structural, functional, and spatial information, amino acid conservation, physicochemical variation, residue mobility, and thermodynamic stability) indicates that this missense variant is not expected to disrupt ATM protein function with a negative predictive value of 95%. Algorithms developed to predict the effect of sequence changes on RNA splicing suggest that this variant may disrupt the consensus splice site. In summary, the available evidence is currently insufficient to determine the role of this variant in disease. Therefore, it has been classified as a Variant of Uncertain Significance.

NM_000051.4(ATM):c.1192G>T (p.Asp398Tyr)

Gene: ATM (ATM serine/threonine kinase; plus strand). Cytogenetic location: 11q22.3.
Variant type: single nucleotide variant.
Coding change: c.1192G>T on transcript NM_000051.4 (MANE Select); coding-DNA position 1192, G replaced by T.
Protein change: p.Asp398Tyr; replaces aspartic acid 398 with tyrosine.
Molecular consequence: missense variant.
Genome position (GRCh38, 1-based): chr11:108,249,059, G>T. VCF-style: chr11-108249059-G-T. GRCh37 (hg19) VCF-style: chr11-108119786-G-T.
Other names: c.1192G>T, p.Asp398Tyr (NM_001351834.2); short protein forms D398Y.
Identifiers: ClinVar variation 3672521 (VCV003672521.2).